The following is an entry in ClinVar:

NM_017460.6(CYP3A4):c.71+5G>C

Gene: CYP3A4 (cytochrome P450 family 3 subfamily A member 4; minus strand). Cytogenetic location: 7q22.1.
Variant type: single nucleotide variant.
Coding change: c.71+5G>C on transcript NM_017460.6 (MANE Select); 5 bases into the intron after coding-DNA position 71, G replaced by C.
Molecular consequence: intron variant.
Genome position (GRCh38, 1-based): chr7:99,784,006, C>G on the plus strand (G>C on the coding strand, the complement: CYP3A4 is on the minus strand). VCF-style: chr7-99784006-C-G. GRCh37 (hg19) VCF-style: chr7-99381629-C-G.
Other names: c.71+5G>C (NM_001202855.3).
Identifiers: ClinVar variation 4885026 (VCV004885026.2).

ClinVar aggregate classification (germline): Uncertain significance (1 of 4 stars; one submission).

gnomAD v4.1: 1 of 1,613,794 alleles (0.000062%); highest among the groups gnomAD compares: Admixed American, 0.0017%; no homozygotes.

Submission:

Dasa
Classification: Uncertain significance. Last evaluated: 2025-05-28. Review status: criteria provided, single submitter. Criteria: DASA Assertion Criteria. Collection method: clinical testing. Allele origin: germline.
Comment: NM_017460.6(CYP3A4):c.71+5G>C is a splice-region variant predicted to affect normal RNA splicing. This variant is rare in population databases. Computational prediction algorithms are consistent with a deleterious effect. The currently available literature and clinical evidence are not sufficient to establish a definitive association between this variant and the reported condition. Therefore, this variant is classified as a variant of uncertain significance.